The following is an entry in ClinVar:

ClinVar aggregate classification (germline): Benign (1 of 4 stars; one submission).

Conditions:
Multiple synostoses syndrome 3 (SYNS3). Identifiers: Orphanet 3237, MedGen C2751826, MONDO:0013064, OMIM 612961.

Allele frequency attached by ClinVar (database versions not stated): gnomAD 0.00029 and 0.00047; TOPMed 0.00043; 1000 Genomes Project 30x 0.00297; 1000 Genomes Project 0.00339.
gnomAD v4.1: 185 of 338,200 alleles (0.055%); highest among the groups gnomAD compares: East Asian, 1%; 1 homozygote.

Submission:

Illumina Laboratory Services, Illumina
Classification: Benign for Multiple synostoses syndrome 3. Last evaluated: 2018-01-13. Review status: criteria provided, single submitter. Criteria: ICSL Variant Classification Criteria 13 December 2019. Collection method: clinical testing. Allele origin: germline.
Comment: This variant was observed in the ICSL laboratory as part of a predisposition screen in an ostensibly healthy population. It had not been previously curated by ICSL or reported in the Human Gene Mutation Database (HGMD: prior to June 1st, 2018), and was therefore a candidate for classification through an automated scoring system. Utilizing variant allele frequency, disease prevalence and penetrance estimates, and inheritance mode, an automated score was calculated to assess if this variant is too frequent to cause the disease. Based on the score and internal cut-off values, a variant classified as benign is not then subjected to further curation. The score for this variant resulted in a classification of benign for this disease.

NM_002010.3(FGF9):c.*318G>A

Gene: FGF9 (fibroblast growth factor 9; plus strand). Cytogenetic location: 13q12.11.
Variant type: single nucleotide variant.
Coding change: c.*318G>A on transcript NM_002010.3 (MANE Select); 318 bases downstream of the stop codon, G replaced by A.
Molecular consequence: 3 prime UTR variant.
Genome position (GRCh38, 1-based): chr13:21,701,753, G>A. VCF-style: chr13-21701753-G-A. GRCh37 (hg19) VCF-style: chr13-22275892-G-A.
Identifiers: ClinVar variation 311439 (VCV000311439.5), dbSNP rs17070736, ClinGen allele CA10639145.